The following is an entry in ClinVar:

ClinVar aggregate classification (germline): Likely benign. Review status: criteria provided, multiple submitters, no conflicts (2 of 4 stars). 5 submissions from 5 submitters: Likely benign (5). Last evaluated 2025-10-03.

Conditions:
Cardiomyopathy (CMYO). Also called: Cardiomyopathies. Identifiers: Orphanet 167848, MedGen C0878544, MONDO:0004994, HP:0001638. Inheritance: Various modes of inheritance.
Arrhythmogenic right ventricular dysplasia 8 (ARVD8). Also called: Arrhythmogenic Right Ventricular Dysplasia/Cardiomyopathy 8; ARRHYTHMOGENIC RIGHT VENTRICULAR DYSPLASIA, FAMILIAL, 8; ARRHYTHMOGENIC RIGHT VENTRICULAR CARDIOMYOPATHY 8. Identifiers: MedGen C1843896, MONDO:0011831, OMIM 607450.
Arrhythmogenic cardiomyopathy with wooly hair and keratoderma. Also called: PALMOPLANTAR KERATODERMA WITH LEFT VENTRICULAR CARDIOMYOPATHY AND WOOLLY HAIR; Dilated cardiomyopathy with woolly hair and keratoderma; Arrhythmogenic cardiomyopathy with woolly hair and keratoderma; Carvajal syndrome. Identifiers: Orphanet 65282, MedGen C1854063, MONDO:0011581, OMIM 605676.
Cardiovascular phenotype. Identifiers: MedGen CN230736.

Allele frequency attached by ClinVar (database versions not stated): ExAC 0.00001; gnomAD 0.00003; TOPMed 0.00004; ESP Exome Variant Server 0.00008.

Submissions (5):

Labcorp Genetics (formerly Invitae), Labcorp
Classification: Likely benign for Arrhythmogenic cardiomyopathy with wooly hair and keratoderma; Arrhythmogenic right ventricular dysplasia 8. Last evaluated: 2025-10-03. Review status: criteria provided, single submitter. Criteria: Invitae Variant Classification Sherloc (09022015). Collection method: clinical testing. Allele origin: germline.

All of Us Research Program, National Institutes of Health
Classification: Likely benign for Arrhythmogenic cardiomyopathy with wooly hair and keratoderma. Last evaluated: 2023-08-15. Review status: criteria provided, single submitter. Criteria: ACMG Guidelines, 2015. Collection method: clinical testing. Allele origin: germline. Inheritance: Autosomal dominant inheritance. Observed: 1 variant allele, 1 heterozygote.
Comment: This study involves interpretation of variants in research participants for the purpose of population health screening. Participant phenotype was not available at the time of variant classification. Additional details can be found in publication PMID: 35346344, PMCID: PMC8962531

Color Diagnostics, LLC DBA Color Health
Classification: Likely benign for Cardiomyopathy. Last evaluated: 2020-04-07. Review status: criteria provided, single submitter. Criteria: ACMG Guidelines, 2015. Collection method: clinical testing. Allele origin: germline.

GeneDx
Classification: Likely benign. Last evaluated: 2019-04-18. Review status: criteria provided, single submitter. Criteria: GeneDx Variant Classification Process June 2021. Collection method: clinical testing. Allele origin: germline. Affected: yes.

Ambry Genetics
Classification: Likely benign for Cardiovascular phenotype. Last evaluated: 2015-07-15. Review status: criteria provided, single submitter. Criteria: Ambry Variant Classification Scheme 2023. Collection method: clinical testing. Allele origin: germline.

NM_004415.4(DSP):c.6496C>A (p.Arg2166=)

Gene: DSP (desmoplakin; plus strand). Cytogenetic location: 6p24.3.
Variant type: single nucleotide variant.
Coding change: c.6496C>A on transcript NM_004415.4 (MANE Select); coding-DNA position 6496, C replaced by A.
Protein change: p.Arg2166=; no amino-acid change (arginine 2166 retained).
Molecular consequence: synonymous variant.
Genome position (GRCh38, 1-based): chr6:7,583,758, C>A. VCF-style: chr6-7583758-C-A. GRCh37 (hg19) VCF-style: chr6-7583991-C-A.
Other names: c.4699C>A, p.Arg1567= (NM_001008844.3); c.5167C>A, p.Arg1723= (NM_001319034.2); c.6496C>A (LRG_423t1).
Identifiers: ClinVar variation 264195 (VCV000264195.18), dbSNP rs141026028, ClinGen allele CA047843.